The following is an entry in ClinVar:

NM_000812.4(GABRB1):c.172+53G>A

Gene: GABRB1 (gamma-aminobutyric acid type A receptor subunit beta1; plus strand). Cytogenetic location: 4p12.
Variant type: single nucleotide variant.
Coding change: c.172+53G>A on transcript NM_000812.4 (MANE Select); 53 bases into the intron after coding-DNA position 172, G replaced by A.
Molecular consequence: intron variant.
Genome position (GRCh38, 1-based): chr4:47,032,058, G>A. VCF-style: chr4-47032058-G-A. GRCh37 (hg19) VCF-style: chr4-47034075-G-A.
Identifiers: ClinVar variation 3255284 (VCV003255284.2), dbSNP rs45460902.

ClinVar aggregate classification (germline): Benign (1 of 4 stars; one submission).

Allele frequency attached by ClinVar (database versions not stated): 1000 Genomes Project 0.47424; 1000 Genomes Project 30x 0.47548; TOPMed 0.48552; ESP Exome Variant Server 0.52584.
gnomAD v4.1: 510,961 of 978,824 alleles (52%); highest among the groups gnomAD compares: East Asian, 57%; 130,465 homozygotes.

Submission:

Unidad de Genómica Garrahan, Hospital de Pediatría Garrahan
Classification: Benign. Last evaluated: 2024-07-15. Review status: criteria provided, single submitter. Criteria: ACMG Guidelines, 2015. Collection method: clinical testing. Allele origin: germline. Affected: no. Observed: 33 variant alleles.
Comment: This variant is classified as Benign based on local population frequency. This variant was detected in 35% of patients studied in a panel designed for Epileptic and Developmental Encephalopathy and Progressive Myoclonus Epilepsy. Number of patients: 33. Only high quality variants are reported.